The following is an entry in ClinVar:

NM_001349206.2(LPIN1):c.1276C>T (p.Arg426Ter)

Gene: LPIN1 (lipin 1; plus strand). Cytogenetic location: 2p25.1.
Variant type: single nucleotide variant.
Coding change: c.1276C>T on transcript NM_001349206.2 (MANE Select); coding-DNA position 1276, C replaced by T.
Protein change: p.Arg426Ter; replaces arginine 426 with a stop codon.
Molecular consequence: nonsense. On other transcripts: non-coding transcript variant (1).
Genome position (GRCh38, 1-based): chr2:11,783,840, C>T. VCF-style: chr2-11783840-C-T. GRCh37 (hg19) VCF-style: chr2-11923966-C-T.
Other names: c.1186C>T, p.Arg396Ter (NM_001261427.3); c.1423C>T, p.Arg475Ter (NM_001261428.3); c.1168C>T, p.Arg390Ter (NM_001349199.2, NM_001349200.2, NM_001349201.2 and 1 more transcripts); c.1273C>T, p.Arg425Ter (NM_001349202.2, NM_001349203.2); c.1276C>T, p.Arg426Ter (NM_001349204.2, NM_001349205.2); c.1366C>T, p.Arg456Ter (NM_001349207.2); c.1315C>T, p.Arg439Ter (NM_001349208.2); c.1168C>T (NM_145693.2); short protein forms R390*, R396*, R425*, R426*, R439*, R456*, R475*.
Identifiers: ClinVar variation 1050803 (VCV001050803.6), dbSNP rs781748056, ClinGen allele CA1533660.

ClinVar aggregate classification (germline): Pathogenic/Likely pathogenic. Review status: criteria provided, multiple submitters, no conflicts (2 of 4 stars). 4 submissions from 4 submitters: Pathogenic (2); Likely pathogenic (1). 1 of the submissions does not count toward it. Last evaluated 2022-05-19.

Conditions:
LPIN1-related disorder. Also called: LPIN1-related condition.
Myoglobinuria, acute recurrent, autosomal recessive. Also called: RHABDOMYOLYSIS, ACUTE RECURRENT; MYOGLOBINURIA, FAMILIAL PAROXYSMAL PARALYTIC; Myoglobinuria, recurrent, autosomal recessive. Identifiers: Orphanet 99845, MedGen C1849386, MONDO:0009992, OMIM 268200.

Allele frequency attached by ClinVar (database versions not stated): gnomAD exomes below 0.00001 and 0.00001; ExAC 0.00001; gnomAD 0.00001; TOPMed 0.00001.
gnomAD v4.1: 16 of 1,613,940 alleles (0.00099%); highest among the groups gnomAD compares: South Asian, 0.0033%; no homozygotes.

Submissions (4):

Fulgent Genetics
Classification: Pathogenic for Myoglobinuria, acute recurrent, autosomal recessive. Last evaluated: 2022-05-19. Review status: criteria provided, single submitter. Criteria: ACMG Guidelines, 2015. Collection method: clinical testing. Allele origin: unknown.

Centre for Inherited Metabolic Diseases, Karolinska University Hospital
Classification: Pathogenic for Myoglobinuria, acute recurrent, autosomal recessive. Last evaluated: 2021-04-07. Review status: criteria provided, single submitter. Criteria: ACMG Guidelines, 2015. Collection method: clinical testing. Allele origin: germline. Inheritance: Autosomal recessive inheritance. Affected: yes. Observed: 1 homozygote.

Laboratorio de Genetica e Diagnostico Molecular, Hospital Israelita Albert Einstein
Classification: Likely pathogenic. Last evaluated: 2021-04-06. Review status: criteria provided, single submitter. Criteria: ACMG Guidelines, 2015. Collection method: clinical testing. Allele origin: germline. Affected: yes.
Comment: ACMG classification criteria: PVS1, PM2

PreventionGenetics, part of Exact Sciences
Classification: Pathogenic for LPIN1-related condition. Last evaluated: 2024-09-18. Review status: no assertion criteria provided. Collection method: clinical testing. Allele origin: germline. Not counted in ClinVar's aggregate classification.
Comment: The LPIN1 c.1168C>T variant is predicted to result in premature protein termination (p.Arg390*). This variant was reported in the homozygous state in an individual who underwent genetic testing; clinical information was not provided (Table S7; Stranneheim et al. 2021. PubMed ID: 33726816). This variant is reported in 0.0033% of alleles in individuals of South Asian descent in gnomAD. Nonsense variants in LPIN1 are expected to be pathogenic. This variant is interpreted as pathogenic.